The following is an entry in ClinVar:

ClinVar aggregate classification (germline): Uncertain significance. Review status: criteria provided, multiple submitters, no conflicts (2 of 4 stars). 3 submissions from 3 submitters: Uncertain significance (3). Last evaluated 2024-06-20.

Conditions:
Donnai-Barrow syndrome. Also called: DBS/FOAR SYNDROME; FACIOOCULOACOUSTICORENAL SYNDROME. Identifiers: Orphanet 2143, MedGen C1857277, MONDO:0009104, OMIM 222448.
Inborn genetic diseases. Identifiers: MedGen C0950123, MeSH D030342.

Allele frequency attached by ClinVar (database versions not stated): ExAC 0.00003.
gnomAD v4.1: 4 of 1,610,896 alleles (0.00025%); no homozygotes.

Submissions (3):

Fulgent Genetics
Classification: Uncertain significance for Donnai-Barrow syndrome. Last evaluated: 2024-06-20. Review status: criteria provided, single submitter. Criteria: ACMG Guidelines, 2015. Collection method: clinical testing. Allele origin: germline.

Ambry Genetics
Classification: Uncertain significance for Inborn genetic diseases. Last evaluated: 2024-01-22. Review status: criteria provided, single submitter. Criteria: Ambry Variant Classification Scheme 2023. Collection method: clinical testing. Allele origin: germline.

Labcorp Genetics (formerly Invitae), Labcorp
Classification: Uncertain significance. Last evaluated: 2022-08-15. Review status: criteria provided, single submitter. Criteria: Invitae Variant Classification Sherloc (09022015). Collection method: clinical testing. Allele origin: germline.
Comment: This sequence change replaces threonine, which is neutral and polar, with alanine, which is neutral and non-polar, at codon 221 of the LRP2 protein (p.Thr221Ala). This variant is present in population databases (rs754889830, gnomAD 0.02%). This variant has not been reported in the literature in individuals affected with LRP2-related conditions. Advanced modeling of protein sequence and biophysical properties (such as structural, functional, and spatial information, amino acid conservation, physicochemical variation, residue mobility, and thermodynamic stability) performed at Invitae indicates that this missense variant is not expected to disrupt LRP2 protein function. In summary, the available evidence is currently insufficient to determine the role of this variant in disease. Therefore, it has been classified as a Variant of Uncertain Significance.

NM_004525.3(LRP2):c.661A>G (p.Thr221Ala)

Gene: LRP2 (LDL receptor related protein 2; minus strand). Cytogenetic location: 2q31.1.
Variant type: single nucleotide variant.
Coding change: c.661A>G on transcript NM_004525.3 (MANE Select); coding-DNA position 661, A replaced by G.
Protein change: p.Thr221Ala; replaces threonine 221 with alanine.
Molecular consequence: missense variant.
Genome position (GRCh38, 1-based): chr2:169,292,361, T>C on the plus strand (A>G on the coding strand, the complement: LRP2 is on the minus strand). VCF-style: chr2-169292361-T-C. GRCh37 (hg19) VCF-style: chr2-170148871-T-C.
Other names: c.661A>G (NM_004525.2); short protein forms T221A.
Identifiers: ClinVar variation 2082921 (VCV002082921.3), dbSNP rs754889830, ClinGen allele CA1955787.